The following is an entry in ClinVar:

NM_018082.6(POLR3B):c.-95C>T

Gene: POLR3B (RNA polymerase III subunit B; plus strand). Cytogenetic location: 12q23.3.
Variant type: single nucleotide variant.
Coding change: c.-95C>T on transcript NM_018082.6 (MANE Select); 95 bases upstream of the start codon, C replaced by T.
Molecular consequence: 5 prime UTR variant.
Genome position (GRCh38, 1-based): chr12:106,357,785, C>T. VCF-style: chr12-106357785-C-T. GRCh37 (hg19) VCF-style: chr12-106751563-C-T.
Identifiers: ClinVar variation 306923 (VCV000306923.8), dbSNP rs17219334, ClinGen allele CA10631962.

ClinVar aggregate classification (germline): Benign. Review status: criteria provided, multiple submitters, no conflicts (2 of 4 stars). 3 submissions from 3 submitters: Benign (3). Last evaluated 2019-04-16.

Conditions:
Leukodystrophy, hypomyelinating, 8, with or without oligodontia and/or hypogonadotropic hypogonadism. Also called: LEUKODYSTROPHY, HYPOMYELINATING, 8, WITH HYPODONTIA AND HYPOGONADOTROPIC HYPOGONADISM; Hypomyelinating leukodystrophy 8 with or without oligodontia and-or hypogonadotropic hypogonadism; Endosteal sclerosis-cerebellar hypoplasia syndrome. Identifiers: Orphanet 85186, Orphanet 88637, MedGen C3280644, MONDO:0013722, OMIM 614381.

Allele frequency attached by ClinVar (database versions not stated): gnomAD 0.02211 and 0.02090; gnomAD exomes 0.02286; 1000 Genomes Project 30x 0.00687; 1000 Genomes Project 0.00679; TOPMed 0.01486.
gnomAD v4.1: 28,757 of 1,274,306 alleles (2.3%); highest among the groups gnomAD compares: Middle Eastern, 3.4%; 495 homozygotes.

Submissions (3):

GeneDx
Classification: Benign. Last evaluated: 2019-04-16. Review status: criteria provided, single submitter. Criteria: GeneDx Variant Classification Process June 2021. Collection method: clinical testing. Allele origin: germline. Affected: yes.

Illumina Laboratory Services, Illumina
Classification: Benign for Leukodystrophy, hypomyelinating, 8, with or without oligodontia and/or hypogonadotropic hypogonadism. Last evaluated: 2018-01-13. Review status: criteria provided, single submitter. Criteria: ICSL Variant Classification Criteria 13 December 2019. Collection method: clinical testing. Allele origin: germline.
Comment: This variant was observed in the ICSL laboratory as part of a predisposition screen in an ostensibly healthy population. It had not been previously curated by ICSL or reported in the Human Gene Mutation Database (HGMD: prior to June 1st, 2018), and was therefore a candidate for classification through an automated scoring system. Utilizing variant allele frequency, disease prevalence and penetrance estimates, and inheritance mode, an automated score was calculated to assess if this variant is too frequent to cause the disease. Based on the score and internal cut-off values, a variant classified as benign is not then subjected to further curation. The score for this variant resulted in a classification of benign for this disease.

Breakthrough Genomics
Classification: Benign. Review status: criteria provided, single submitter. Criteria: ACMG Guidelines, 2015. Collection method: not provided. Allele origin: germline. Inheritance: Autosomal recessive inheritance. Affected: yes.